The following is an entry in ClinVar:

ClinVar aggregate classification (germline): Uncertain significance (1 of 4 stars; one submission).

Submission:

Ambry Genetics
Classification: Uncertain significance. Last evaluated: 2021-09-20. Review status: criteria provided, single submitter. Criteria: Ambry Variant Classification Scheme 2023. Collection method: clinical testing. Allele origin: germline.
Comment: The p.V2358I variant (also known as c.7072G>A), located in coding exon 25 of the POLQ gene, results from a G to A substitution at nucleotide position 7072. The valine at codon 2358 is replaced by isoleucine, an amino acid with highly similar properties. This amino acid position is conserved. In addition, the in silico prediction for this alteration is inconclusive. Since supporting evidence is limited at this time, the clinical significance of this alteration remains unclear.

NM_199420.4(POLQ):c.7072G>A (p.Val2358Ile)

Gene: POLQ (DNA polymerase theta; minus strand). Cytogenetic location: 3q13.33.
Variant type: single nucleotide variant.
Coding change: c.7072G>A on transcript NM_199420.4 (MANE Select); coding-DNA position 7072, G replaced by A.
Protein change: p.Val2358Ile; replaces valine 2358 with isoleucine.
Molecular consequence: missense variant.
Genome position (GRCh38, 1-based): chr3:121,460,130, C>T on the plus strand (G>A on the coding strand, the complement: POLQ is on the minus strand). VCF-style: chr3-121460130-C-T. GRCh37 (hg19) VCF-style: chr3-121178977-C-T.
Other names: short protein forms V2358I.
Identifiers: ClinVar variation 1757015 (VCV001757015.2), dbSNP rs2546764727, ClinGen allele CA354107123.